The following is an entry in ClinVar:

NM_005148.4(UNC119):c.601G>A (p.Glu201Lys)

Gene: UNC119 (unc-119 lipid binding chaperone; minus strand). Cytogenetic location: 17q11.2.
Variant type: single nucleotide variant.
Coding change: c.601G>A on transcript NM_005148.4 (MANE Select); coding-DNA position 601, G replaced by A.
Protein change: p.Glu201Lys; replaces glutamic acid 201 with lysine.
Molecular consequence: missense variant.
Genome position (GRCh38, 1-based): chr17:28,547,686, C>T on the plus strand (G>A on the coding strand, the complement: UNC119 is on the minus strand). VCF-style: chr17-28547686-C-T. GRCh37 (hg19) VCF-style: chr17-26874704-C-T.
Other names: c.316G>A, p.Glu106Lys (NM_001330166.2); c.601G>A, p.Glu201Lys (NM_054035.2); short protein forms E106K, E201K.
Identifiers: ClinVar variation 1495959 (VCV001495959.7), dbSNP rs764936506, ClinGen allele CA8459742.

ClinVar aggregate classification (germline): Uncertain significance (1 of 4 stars; one submission).

gnomAD v4.1: 76 of 1,614,024 alleles (0.0047%); highest among the groups gnomAD compares: Middle Eastern, 0.016%; no homozygotes.

Submissions (2):

Labcorp Genetics (formerly Invitae), Labcorp
Classification: Uncertain significance. Last evaluated: 2025-10-24. Review status: criteria provided, single submitter. Criteria: Invitae Variant Classification Sherloc (09022015). Collection method: clinical testing. Allele origin: germline.
Comment: This sequence change replaces glutamic acid, which is acidic and polar, with lysine, which is basic and polar, at codon 201 of the UNC119 protein (p.Glu201Lys). This variant is present in population databases (rs764936506, gnomAD 0.008%). This variant has not been reported in the literature in individuals affected with UNC119-related conditions. ClinVar contains an entry for this variant (Variation ID: 1495959). An algorithm developed to predict the effect of missense changes on protein structure and function (PolyPhen-2) suggests that this variant is likely to be disruptive. In summary, the available evidence is currently insufficient to determine the role of this variant in disease. Therefore, it has been classified as a Variant of Uncertain Significance.

Dr. Peter K. Rogan Lab, Western University
No classification provided (evidence only). Condition: Malignant tumor of urinary bladder. Review status: no classification provided. Collection method: in vitro. Allele origin: not applicable. Functional consequence: retained intron. Not counted in ClinVar's aggregate classification.